The following is an entry in ClinVar:

ClinVar aggregate classification (germline): Uncertain significance. Review status: criteria provided, multiple submitters, no conflicts (2 of 4 stars). 4 submissions from 4 submitters: Uncertain significance (4). Last evaluated 2026-01-05.

Conditions:
Noonan syndrome 10 (NS10). Identifiers: Orphanet 648, MedGen C4225280, MONDO:0014693, OMIM 616564.
Cardiovascular phenotype. Identifiers: MedGen CN230736.
Hereditary cancer-predisposing syndrome. Also called: Neoplastic Syndromes, Hereditary; Hereditary neoplastic syndrome; Hereditary Cancer Syndrome; Tumor predisposition. Identifiers: Orphanet 140162, MedGen C0027672, MeSH D009386, MONDO:0015356.

gnomAD v4.1: 5 of 1,612,638 alleles (0.00031%); highest among the groups gnomAD compares: Non-Finnish European, 0.00042%; no homozygotes.

Submissions (4):

Labcorp Genetics (formerly Invitae), Labcorp
Classification: Uncertain significance. Last evaluated: 2026-01-05. Review status: criteria provided, single submitter. Criteria: Invitae Variant Classification Sherloc (09022015). Collection method: clinical testing. Allele origin: germline.
Comment: This sequence change replaces serine, which is neutral and polar, with asparagine, which is neutral and polar, at codon 556 of the LZTR1 protein (p.Ser556Asn). This variant is not present in population databases (gnomAD no frequency). This missense change has been observed in individual(s) with autosomal dominant schwannomatosis (internal data). ClinVar contains an entry for this variant (Variation ID: 1806155). Invitae Evidence Modeling of protein sequence and biophysical properties (such as structural, functional, and spatial information, amino acid conservation, physicochemical variation, residue mobility, and thermodynamic stability) indicates that this missense variant is not expected to disrupt LZTR1 protein function with a negative predictive value of 80%. Algorithms developed to predict the effect of sequence changes on RNA splicing suggest that this variant may create or strengthen a splice site. In summary, the available evidence is currently insufficient to determine the role of this variant in disease. Therefore, it has been classified as a Variant of Uncertain Significance.

GeneDx
Classification: Uncertain significance. Last evaluated: 2025-02-25. Review status: criteria provided, single submitter. Criteria: GeneDx Variant Classification Process June 2021. Collection method: clinical testing. Allele origin: germline. Affected: yes.
Comment: Not observed at significant frequency in large population cohorts (gnomAD); In silico analysis indicates that this missense variant does not alter protein structure/function; In silico analysis suggests this variant may impact gene splicing. In the absence of RNA/functional studies, the actual effect of this sequence change is unknown.; Has not been previously published as pathogenic or benign to our knowledge

Ambry Genetics
Classification: Uncertain significance for Cardiovascular phenotype; Hereditary cancer-predisposing syndrome. Last evaluated: 2023-06-07. Review status: criteria provided, single submitter. Criteria: Ambry Variant Classification Scheme 2023. Collection method: clinical testing. Allele origin: germline.
Comment: The p.S556N variant (also known as c.1667G>A), located in coding exon 15 of the LZTR1 gene, results from a G to A substitution at nucleotide position 1667. The serine at codon 556 is replaced by asparagine, an amino acid with highly similar properties. This amino acid position is conserved. In addition, this alteration is predicted to be tolerated by in silico analysis. Since supporting evidence is limited at this time, the clinical significance of this alteration remains unclear.

Victorian Clinical Genetics Services, Murdoch Childrens Research Institute
Classification: Uncertain significance for Noonan syndrome 10. Last evaluated: 2021-05-06. Review status: criteria provided, single submitter. Criteria: ACMG Guidelines, 2015. Collection method: clinical testing. Allele origin: germline. Inheritance: Autosomal dominant inheritance. Affected: yes.
Comment: Based on the classification scheme VCGS_Germline_v1.3.4, this variant is classified as VUS-3C. Following criteria are met: 0104 - Dominant negative is a suggested mechanism of disease in this gene and is associated with Noonan syndrome (MIM#616564). LZTR1 is a negative regulator of the RAS-MAPK pathway and missense mutations in this gene lead to downstream increased signaling (PMID:30481304). (I) 0107 - This gene is associated with autosomal dominant disease. (I) 0200 - Variant is predicted to result in a missense amino acid change from serine to asparagine. (I) 0251 - This variant is heterozygous. (I) 0301 - Variant is absent from gnomAD (both v2 and v3). (SP) 0309 - An alternative amino acid change at the same position has been observed in gnomAD (v3) (2 heterozygotes, 0 homozygotes). (I) 0503 - Missense variant consistently predicted to be tolerated by multiple in silico tools or not conserved in placental mammals with a minor amino acid change. (SB) 0600 - Variant is located in the annotated BTB domain (NCBI). (I) 0705 - No comparable missense variants have previous evidence for pathogenicity. (I) 0807 - This variant has no previous evidence of pathogenicity. (I) 0905 - No published segregation evidence has been identified for this variant. (I) 1007 - No published functional evidence has been identified for this variant. (I) Legend: (SP) - Supporting pathogenic, (I) - Information, (SB) - Supporting benign

Literature cited by the submitters: PubMed 30481304 (cited by Victorian Clinical Genetics Services, Murdoch Childrens Research Institute).

NM_006767.4(LZTR1):c.1667G>A (p.Ser556Asn)

Gene: LZTR1 (leucine zipper like post translational regulator 1; plus strand). Cytogenetic location: 22q11.21.
Variant type: single nucleotide variant.
Coding change: c.1667G>A on transcript NM_006767.4 (MANE Select); coding-DNA position 1667, G replaced by A.
Protein change: p.Ser556Asn; replaces serine 556 with asparagine.
Molecular consequence: missense variant.
Genome position (GRCh38, 1-based): chr22:20,994,609, G>A. VCF-style: chr22-20994609-G-A. GRCh37 (hg19) VCF-style: chr22-21348898-G-A.
Other names: short protein forms S556N.
Identifiers: ClinVar variation 1806155 (VCV001806155.8), dbSNP rs1276419953, ClinGen allele CA410776746.